The following is an entry in ClinVar:

ClinVar aggregate classification (germline): Uncertain significance (1 of 4 stars; one submission).

gnomAD v4.1: 31 of 1,614,110 alleles (0.0019%); highest among the groups gnomAD compares: Admixed American, 0.05%; no homozygotes.

Submission:

CeGaT Center for Human Genetics Tuebingen
Classification: Uncertain significance. Last evaluated: 2026-07-01. Review status: criteria provided, single submitter. Criteria: CeGaT Center For Human Genetics Tuebingen Variant Classification Criteria Version 2. Collection method: clinical testing. Allele origin: germline. Affected: yes. Observed: 1 variant allele.
Comment: TCF7L2: PP2, PP3

NM_001367943.1(TCF7L2):c.1500C>G (p.Pro500=)

Gene: TCF7L2 (transcription factor 7 like 2; plus strand). Cytogenetic location: 10q25.3.
Variant type: single nucleotide variant.
Coding change: c.1500C>G on transcript NM_001367943.1 (MANE Select); coding-DNA position 1500, C replaced by G.
Protein change: p.Pro500=; no amino-acid change (proline 500 retained).
Molecular consequence: synonymous variant. On other transcripts: missense variant (7), 3 prime UTR variant (5).
Genome position (GRCh38, 1-based): chr10:113,165,612, C>G. VCF-style: chr10-113165612-C-G. GRCh37 (hg19) VCF-style: chr10-114925371-C-G.
Other names: c.1307C>G, p.Pro436Arg (NM_001146286.2); c.*88C>G (NM_001198525.2); c.1380C>G, p.Pro460= (NM_001198526.2, NM_001146285.2); c.*76C>G (NM_001198527.2, NM_001198528.2, NM_001349870.2 and 1 more transcripts); c.1358C>G, p.Pro453Arg (NM_001198529.2); c.1205C>G, p.Pro402Arg (NM_001198530.2); c.1376C>G, p.Pro459Arg (NM_001198531.2); c.1427C>G, p.Pro476Arg (NM_001363501.2); and 4 more; short protein forms P402R, P436R, P449R, P453R, P459R, P476R, P483R.
Identifiers: ClinVar variation 5039924 (VCV005039924.1).